The following is an entry in ClinVar:

ClinVar aggregate classification (germline): Uncertain significance (1 of 4 stars; one submission).

Conditions:
Familial thoracic aortic aneurysm and aortic dissection (TAAD). Also called: Thoracic aortic aneurysms and dissections. Identifiers: Orphanet 91387, MedGen C4707243, MONDO:0019625.

Submission:

Ambry Genetics
Classification: Uncertain significance for Familial thoracic aortic aneurysm and aortic dissection. Last evaluated: 2021-12-13. Review status: criteria provided, single submitter. Criteria: Ambry Variant Classification Scheme 2023. Collection method: clinical testing. Allele origin: germline.
Comment: The p.R1134S variant (also known as c.3402G>C), located in coding exon 25 of the MYH11 gene, results from a G to C substitution at nucleotide position 3402. The arginine at codon 1134 is replaced by serine, an amino acid with dissimilar properties. This amino acid position is conserved. In addition, this alteration is predicted to be deleterious by in silico analysis. Since supporting evidence is limited at this time, the clinical significance of this alteration remains unclear.

NM_002474.3(MYH11):c.3402G>C (p.Arg1134Ser)

Gene: MYH11 (myosin heavy chain 11; minus strand). Cytogenetic location: 16p13.11.
Variant type: single nucleotide variant.
Coding change: c.3402G>C on transcript NM_002474.3 (MANE Select); coding-DNA position 3402, G replaced by C.
Protein change: p.Arg1134Ser; replaces arginine 1134 with serine.
Molecular consequence: missense variant.
Genome position (GRCh38, 1-based): chr16:15,735,470, C>G on the plus strand (G>C on the coding strand, the complement: MYH11 is on the minus strand). VCF-style: chr16-15735470-C-G. GRCh37 (hg19) VCF-style: chr16-15829327-C-G.
Other names: c.3423G>C, p.Arg1141Ser (NM_001040113.2, NM_001040114.2); c.3402G>C, p.Arg1134Ser (NM_022844.3); short protein forms R1134S, R1141S.
Identifiers: ClinVar variation 1731086 (VCV001731086.2), dbSNP rs1245861110, ClinGen allele CA394861953.
Genomic context (GRCh38, chr16:15,735,470, plus strand): 5'-CTCTGTCTTTAGGGCCTCCAGCTCCTCGCCGAGGTCTCGCTTCTGCTTTTCAGCCTTGTT[C>G]CTGGCGGCCCGCTCTGAGTCCAGGTCCTCCTGGAGGTCTGAGATGTGGCCCTCCAGCTCC-3'
Protein context (NP_002465.1, residues 1124-1144): QEDLDSERAA[Arg1134Ser]NKAEKQKRDL